The following is an entry in ClinVar:

ClinVar aggregate classification (germline): Uncertain significance (1 of 4 stars; one submission).

Conditions:
Hereditary nonpolyposis colorectal neoplasms. Identifiers: MedGen C0009405, MeSH D003123.

Submission:

Labcorp Genetics (formerly Invitae), Labcorp
Classification: Uncertain significance for Hereditary nonpolyposis colorectal neoplasms. Last evaluated: 2025-04-07. Review status: criteria provided, single submitter. Criteria: Invitae Variant Classification Sherloc (09022015). Collection method: clinical testing. Allele origin: germline.
Comment: This sequence change replaces proline, which is neutral and non-polar, with alanine, which is neutral and non-polar, at codon 408 of the MSH6 protein (p.Pro408Ala). This variant is not present in population databases (gnomAD no frequency). This variant has not been reported in the literature in individuals affected with MSH6-related conditions. ClinVar contains an entry for this variant (Variation ID: 1948964). Invitae Evidence Modeling of protein sequence and biophysical properties (such as structural, functional, and spatial information, amino acid conservation, physicochemical variation, residue mobility, and thermodynamic stability) has been performed for this missense variant. However, the output from this modeling did not meet the statistical confidence thresholds required to predict the impact of this variant on MSH6 protein function. In summary, the available evidence is currently insufficient to determine the role of this variant in disease. Therefore, it has been classified as a Variant of Uncertain Significance.

NM_000179.3(MSH6):c.1222C>G (p.Pro408Ala)

Gene: MSH6 (mutS homolog 6; plus strand). Cytogenetic location: 2p16.3.
Variant type: single nucleotide variant.
Coding change: c.1222C>G on transcript NM_000179.3 (MANE Select); coding-DNA position 1222, C replaced by G.
Protein change: p.Pro408Ala; replaces proline 408 with alanine.
Molecular consequence: missense variant.
Genome position (GRCh38, 1-based): chr2:47,799,205, C>G. VCF-style: chr2-47799205-C-G. GRCh37 (hg19) VCF-style: chr2-48026344-C-G.
Other names: c.832C>G, p.Pro278Ala (NM_001281492.2); c.316C>G, p.Pro106Ala (NM_001281493.2, NM_001281494.2, NM_001406811.1 and 6 more transcripts); c.1318C>G, p.Pro440Ala (NM_001406795.1, NM_001406802.1); c.1222C>G, p.Pro408Ala (NM_001406796.1, NM_001406798.1, NM_001406800.1 and 4 more transcripts); c.925C>G, p.Pro309Ala (NM_001406797.1, NM_001406801.1, NM_001406805.1 and 10 more transcripts); c.697C>G, p.Pro233Ala (NM_001406799.1, NM_001406806.1, NM_001406807.1); c.1144C>G, p.Pro382Ala (NM_001406804.1); c.1228C>G, p.Pro410Ala (NM_001406813.1); and 1 more; short protein forms P278A, P309A, P106A, P382A, P408A, P410A, P440A, P233A.
Identifiers: ClinVar variation 1948964 (VCV001948964.5), dbSNP rs1553412644, ClinGen allele CA346743577.